The following is an entry in ClinVar:

NM_003072.5(SMARCA4):c.3441T>G (p.Ser1147=)

Gene: SMARCA4 (SWI/SNF related BAF chromatin remodeling complex subunit ATPase 4; plus strand). Cytogenetic location: 19p13.2.
Variant type: single nucleotide variant.
Coding change: c.3441T>G on transcript NM_003072.5 (MANE Select); coding-DNA position 3441, T replaced by G.
Protein change: p.Ser1147=; no amino-acid change (serine 1147 retained).
Molecular consequence: synonymous variant. On other transcripts: non-coding transcript variant (1).
Genome position (GRCh38, 1-based): chr19:11,030,788, T>G. VCF-style: chr19-11030788-T-G. GRCh37 (hg19) VCF-style: chr19-11141464-T-G.
Other names: c.3441T>G, p.Ser1147= (NM_001128844.3, NM_001128845.2, NM_001128846.2 and 6 more transcripts).
Identifiers: ClinVar variation 1731479 (VCV001731479.3), dbSNP rs2146599667, ClinGen allele CA505492095.

ClinVar aggregate classification (germline): Benign/Likely benign. Review status: criteria provided, multiple submitters, no conflicts (2 of 4 stars). 2 submissions from 2 submitters: Benign (1); Likely benign (1). Last evaluated 2026-07-14.

Conditions:
Rhabdoid tumor predisposition syndrome 2 (RTPS2). Identifiers: Orphanet 231108, Orphanet 69077, MedGen C2750074, MONDO:0013224, OMIM 613325.
Hereditary cancer-predisposing syndrome. Also called: Hereditary neoplastic syndrome; Neoplastic Syndromes, Hereditary; Tumor predisposition; Hereditary Cancer Syndrome. Identifiers: Orphanet 140162, MedGen C0027672, MeSH D009386, MONDO:0015356.

Submissions (2):

Myriad Genetics, Inc.
Classification: Benign for Rhabdoid tumor predisposition syndrome 2. Last evaluated: 2026-07-14. Review status: criteria provided, single submitter. Criteria: Myriad Autosomal Dominant, Autosomal Recessive and X-Linked Classification Criteria (2023). Collection method: clinical testing. Allele origin: unknown.
Comment: This variant is considered benign. This variant is a silent/synonymous amino acid change and it is not expected to impact splicing.

Ambry Genetics
Classification: Likely benign for Hereditary cancer-predisposing syndrome. Last evaluated: 2022-07-11. Review status: criteria provided, single submitter. Criteria: Ambry Variant Classification Scheme 2023. Collection method: clinical testing. Allele origin: germline.